The following is an entry in ClinVar:

ClinVar aggregate classification (germline): Uncertain significance (1 of 4 stars; one submission).

Allele frequency attached by ClinVar (database versions not stated): gnomAD exomes 0.00002 and 0.00005; gnomAD 0.00004; TOPMed 0.00004.
gnomAD v4.1: 83 of 1,551,514 alleles (0.0053%); highest among the groups gnomAD compares: Non-Finnish European, 0.0066%; no homozygotes.

Submission:

Labcorp Genetics (formerly Invitae), Labcorp
Classification: Uncertain significance. Last evaluated: 2024-10-16. Review status: criteria provided, single submitter. Criteria: Invitae Variant Classification Sherloc (09022015). Collection method: clinical testing. Allele origin: germline.
Comment: This sequence change replaces proline, which is neutral and non-polar, with threonine, which is neutral and polar, at codon 116 of the KPNA7 protein (p.Pro116Thr). This variant is present in population databases (no rsID available, gnomAD 0.004%). This variant has not been reported in the literature in individuals affected with KPNA7-related conditions. ClinVar contains an entry for this variant (Variation ID: 641447). Invitae Evidence Modeling of protein sequence and biophysical properties (such as structural, functional, and spatial information, amino acid conservation, physicochemical variation, residue mobility, and thermodynamic stability) has been performed for this missense variant. However, the output from this modeling did not meet the statistical confidence thresholds required to predict the impact of this variant on KPNA7 protein function. In summary, the available evidence is currently insufficient to determine the role of this variant in disease. Therefore, it has been classified as a Variant of Uncertain Significance.

NM_001145715.3(KPNA7):c.346C>A (p.Pro116Thr)

Gene: KPNA7 (karyopherin subunit alpha 7; minus strand). Cytogenetic location: 7q22.1.
Variant type: single nucleotide variant.
Coding change: c.346C>A on transcript NM_001145715.3 (MANE Select); coding-DNA position 346, C replaced by A.
Protein change: p.Pro116Thr; replaces proline 116 with threonine.
Molecular consequence: missense variant.
Genome position (GRCh38, 1-based): chr7:99,195,277, G>T on the plus strand (C>A on the coding strand, the complement: KPNA7 is on the minus strand). VCF-style: chr7-99195277-G-T. GRCh37 (hg19) VCF-style: chr7-98792900-G-T.
Other names: short protein forms P116T.
Identifiers: ClinVar variation 641447 (VCV000641447.7), dbSNP rs888646116, ClinGen allele CA163746634.